The following is an entry in ClinVar:

NM_002528.7(NTHL1):c.568C>T (p.Gln190Ter)

Gene: NTHL1 (nth like DNA glycosylase 1; minus strand). Cytogenetic location: 16p13.3.
Variant type: single nucleotide variant.
Coding change: c.568C>T on transcript NM_002528.7 (MANE Select); coding-DNA position 568, C replaced by T.
Protein change: p.Gln190Ter; replaces glutamine 190 with a stop codon.
Molecular consequence: nonsense.
Genome position (GRCh38, 1-based): chr16:2,043,684, G>A on the plus strand (C>T on the coding strand, the complement: NTHL1 is on the minus strand). VCF-style: chr16-2043684-G-A. GRCh37 (hg19) VCF-style: chr16-2093685-G-A.
Other names: c.592C>T (NM_002528.5); c.397C>T, p.Gln133Ter (NM_001318193.2); c.238C>T, p.Gln80Ter (NM_001318194.2); short protein forms Q190*, Q80*, Q133*.
Identifiers: ClinVar variation 1452364 (VCV001452364.7), dbSNP rs1455020789, ClinGen allele CA394292091.
Genomic context (GRCh38, chr16:2,043,684, plus strand): 5'-CAACACCCGGCAGCGCCACCAGCTCGGCCACAGAGGCTGGGATGTCCCCACCGTAGTGCT[G>A]CTGCAGGATGGCGCTGGTCTGCTTGATGTATTTCACCTTGCTCTGAAAGACAGGGGTGGG-3'

ClinVar aggregate classification (germline): Pathogenic. Review status: criteria provided, multiple submitters, no conflicts (2 of 4 stars). 3 submissions from 3 submitters: Pathogenic (3). Last evaluated 2025-12-15.

Conditions:
Hereditary cancer-predisposing syndrome. Also called: Hereditary Cancer Syndrome; Neoplastic Syndromes, Hereditary; Hereditary neoplastic syndrome; Tumor predisposition. Identifiers: Orphanet 140162, MedGen C0027672, MeSH D009386, MONDO:0015356.
Familial adenomatous polyposis 3. Also called: NTHL1-related attenuated familial adenomatous polyposis; NTHL1 Tumor Syndrome; NTHL1-associated polyposis; NTHL1-Related Adenomatous Polyposis and Colorectal Cancer. Identifiers: Orphanet 220460, Orphanet 454840, MedGen C4225157, MONDO:0014630, OMIM 616415.

Allele frequency attached by ClinVar (database versions not stated): TOPMed below 0.00001.

Submissions (3):

Ambry Genetics
Classification: Pathogenic for Hereditary cancer-predisposing syndrome. Last evaluated: 2025-12-15. Review status: criteria provided, single submitter. Criteria: Ambry Variant Classification Scheme 2023. Collection method: clinical testing. Allele origin: germline.
Comment: The p.Q198* pathogenic mutation (also known as c.592C>T), located in coding exon 4 of the NTHL1 gene, results from a C to T substitution at nucleotide position 592. This changes the amino acid from a glutamine to a stop codon within coding exon 4. This variant is considered to be rare based on population cohorts in the Genome Aggregation Database (gnomAD). This alteration is expected to result in loss of function by premature protein truncation or nonsense-mediated mRNA decay. As such, this alteration is interpreted as a disease-causing mutation.

Myriad Genetics, Inc.
Classification: Pathogenic for Familial adenomatous polyposis 3. Last evaluated: 2023-09-05. Review status: criteria provided, single submitter. Criteria: Myriad Autosomal Dominant, Autosomal Recessive and X-Linked Classification Criteria (2023). Collection method: clinical testing. Allele origin: unknown.
Comment: This variant is considered pathogenic. This variant creates a termination codon and is predicted to result in premature protein truncation.

Labcorp Genetics (formerly Invitae), Labcorp
Classification: Pathogenic. Last evaluated: 2022-02-18. Review status: criteria provided, single submitter. Criteria: Invitae Variant Classification Sherloc (09022015). Collection method: clinical testing. Allele origin: germline.
Comment: This variant has not been reported in the literature in individuals affected with NTHL1-related conditions. This variant is not present in population databases (gnomAD no frequency). This sequence change creates a premature translational stop signal (p.Gln198*) in the NTHL1 gene. It is expected to result in an absent or disrupted protein product. Loss-of-function variants in NTHL1 are known to be pathogenic (PMID: 25938944, 26559593). For these reasons, this variant has been classified as Pathogenic.

Literature cited by the submitters: PubMed 25938944 (cited by Labcorp Genetics (formerly Invitae), Labcorp); PubMed 26559593 (cited by Labcorp Genetics (formerly Invitae), Labcorp).